The following is an entry in ClinVar:

ClinVar aggregate classification (germline): Likely benign (1 of 4 stars; one submission).

Conditions:
Atypical hemolytic-uremic syndrome. Identifiers: Orphanet 2134, MedGen C2931788, MONDO:0016244.

Submission:

Genomenon, Inc
Classification: Likely benign for Atypical hemolytic-uremic syndrome. Last evaluated: 2026-09-17. Review status: criteria provided, single submitter. Criteria: Genomenon Sequence Variant Interpretation Standards - Updated. Collection method: curation. Allele origin: germline. Affected: yes.
Comment: CFI c.884-42_884-41insTTAAA is an insertion variant located in intron 6. This variant has been observed in at least one proband affected with atypical hemolytic-uremic syndrome (PMID:29292855). It is absent or not present at a significant frequency in gnomAD. This variant is not predicted to impact splicing. In conclusion, we classify CFI c.884-42_884-41insTTAAA as a likely benign variant.

Literature cited by the submitters: PubMed 29292855.

NM_000204.5(CFI):c.884-42_884-41insAATTA

Gene: CFI (complement factor I; minus strand). Cytogenetic location: 4q25.
Variant type: Insertion.
Coding change: c.884-42_884-41insAATTA on transcript NM_000204.5 (MANE Select); 42 bases into the intron before coding-DNA position 884 through 41 bases into the intron before coding-DNA position 884, AATTA inserted.
Molecular consequence: intron variant.
Genome position: GRCh38 VCF-style: chr4-109757824-T-TTTTAA. GRCh37 (hg19) VCF-style: chr4-110678980-T-TTTTAA.
Other names: c.884-42_884-41insTTAAA (NM_000204.5); c.883+2445_883+2446insAATTA (NM_001375282.1, NM_001375280.1, NM_001375283.1 and 2 more transcripts); c.884-42_884-41insAATTA (NM_001375281.1, NM_001375279.1, NM_001440989.1); c.905-42_905-41insAATTA (NM_001440985.1, NM_001440986.1); c.908-42_908-41insAATTA (NM_001440988.1, NM_001375278.1, NM_001318057.2); c.275-42_275-41insAATTA (NM_001375284.1).
Identifiers: ClinVar variation 4280424 (VCV004280424.2).
Genomic context (GRCh38, chr4:109,757,824, plus strand): 5'-TTGAGTCACAGATGCAAAGCCTGAAGAAAACAAAAACAAAAAATTTATCAAAGGATAATT[T>TTTTAA]TTGGAAAAAATGCACACTATAGCAATATACTATACATATATCATGAAAACCATTGCACCT-3'